The following is an entry in ClinVar:

ClinVar aggregate classification (germline): Pathogenic (1 of 4 stars; one submission).

Submission:

Labcorp Genetics (formerly Invitae), Labcorp
Classification: Pathogenic. Last evaluated: 2025-06-02. Review status: criteria provided, single submitter. Criteria: Invitae Variant Classification Sherloc (09022015). Collection method: clinical testing. Allele origin: germline.
Comment: This sequence change creates a premature translational stop signal (p.Lys162*) in the GORAB gene. It is expected to result in an absent or disrupted protein product. Loss-of-function variants in GORAB are known to be pathogenic (PMID: 18997784, 19681135). This variant is not present in population databases (gnomAD no frequency). This variant has not been reported in the literature in individuals affected with GORAB-related conditions. ClinVar contains an entry for this variant (Variation ID: 2870262). Algorithms developed to predict the effect of sequence changes on RNA splicing suggest that this variant may create or strengthen a splice site. For these reasons, this variant has been classified as Pathogenic.

Literature cited by the submitters: PubMed 18997784; PubMed 19681135.

NM_152281.3(GORAB):c.409A>T (p.Lys137Ter)

Gene: GORAB (golgin, RAB6 interacting; plus strand). Cytogenetic location: 1q24.2.
Variant type: single nucleotide variant.
Coding change: c.409A>T on transcript NM_152281.3 (MANE Select); coding-DNA position 409, A replaced by T.
Protein change: p.Lys137Ter; replaces lysine 137 with a stop codon.
Molecular consequence: nonsense. On other transcripts: 5 prime UTR variant (1), non-coding transcript variant (1).
Genome position (GRCh38, 1-based): chr1:170,539,557, A>T. VCF-style: chr1-170539557-A-T. GRCh37 (hg19) VCF-style: chr1-170508698-A-T.
Other names: c.409A>T, p.Lys137Ter (NM_001146039.2); c.-57A>T (NM_001320252.2); c.358A>T, p.Lys120Ter (NM_001410894.1); short protein forms K120*, K137*.
Identifiers: ClinVar variation 2870262 (VCV002870262.3), dbSNP rs2101821379, ClinGen allele CA343163143.